The following is an entry in ClinVar:

NM_000137.4(FAH):c.1097C>T (p.Ser366Leu)

Gene: FAH (fumarylacetoacetate hydrolase; plus strand). Cytogenetic location: 15q25.1.
Variant type: single nucleotide variant.
Coding change: c.1097C>T on transcript NM_000137.4 (MANE Select); coding-DNA position 1097, C replaced by T.
Protein change: p.Ser366Leu; replaces serine 366 with leucine.
Molecular consequence: missense variant.
Genome position (GRCh38, 1-based): chr15:80,181,076, C>T. VCF-style: chr15-80181076-C-T. GRCh37 (hg19) VCF-style: chr15-80473418-C-T.
Other names: p.Ser366Leu; c.1097C>T (NM_000137.2, NM_000137.3); c.1097C>T, p.Ser366Leu (NM_001374377.1, NM_001374380.1); short protein forms S366L.
Identifiers: ClinVar variation 990305 (VCV000990305.7), dbSNP rs372685249, ClinGen allele CA7691487.

ClinVar aggregate classification (germline): Uncertain significance. Review status: criteria provided, multiple submitters, no conflicts (2 of 4 stars). 6 submissions from 6 submitters: Uncertain significance (5). 1 of the submissions does not count toward it. Last evaluated 2026-05-04.

Conditions:
Inborn genetic diseases. Identifiers: MedGen C0950123, MeSH D030342.
FAH-related disorder. Also called: FAH-related condition.
Tyrosinemia type I (TYRSN1). Also called: FAH DEFICIENCY; Tyrosinemia type 1; Fumarylacetoacetase deficiency; Deficiency of fumarylacetoacetase; HEPATORENAL TYROSINEMIA. Identifiers: Orphanet 882, MedGen C0268490, MONDO:0010161, OMIM 276700. Disease mechanism: loss of function.

Allele frequency attached by ClinVar (database versions not stated): ESP Exome Variant Server 0.00008; gnomAD 0.00009; ExAC 0.00011; gnomAD exomes 0.00011; TOPMed 0.00015.
gnomAD v4.1: 79 of 1,613,588 alleles (0.0049%); highest among the groups gnomAD compares: East Asian, 0.087%; no homozygotes.

Submissions (6):

Myriad Genetics, Inc.
Classification: Uncertain significance for Tyrosinemia type I. Last evaluated: 2026-05-04. Review status: criteria provided, single submitter. Criteria: Myriad Autosomal Dominant, Autosomal Recessive and X-Linked Classification Criteria (2023). Collection method: clinical testing. Allele origin: unknown.
Comment: NM_000137.2(FAH):c.1097C>T(S366L) is a missense variant classified as a variant of uncertain significance in the context of tyrosinemia type I. S366L has not been observed in cases with relevant disease. Relevant functional assessments of this variant are not available in the literature. S366L has been observed in referenced population frequency databases. In summary, there is insufficient evidence to classify NM_000137.2(FAH):c.1097C>T(S366L) as pathogenic or benign. Please note: this variant was assessed in the context of healthy population screening.

Ambry Genetics
Classification: Uncertain significance for Inborn genetic diseases. Last evaluated: 2024-05-07. Review status: criteria provided, single submitter. Criteria: Ambry Variant Classification Scheme 2023. Collection method: clinical testing. Allele origin: germline.

Mayo Clinic Laboratories, Mayo Clinic
Classification: Uncertain significance. Last evaluated: 2023-11-21. Review status: criteria provided, single submitter. Criteria: ACMG Guidelines, 2015. Collection method: clinical testing. Allele origin: germline. Observed: 1 variant allele.
Comment: BS1, PP3

PreventionGenetics, part of Exact Sciences
Classification: Uncertain significance for FAH-related condition. Last evaluated: 2022-11-07. Review status: criteria provided, single submitter. Criteria: ACMG Guidelines, 2015. Collection method: clinical testing. Allele origin: germline.
Comment: The FAH c.1097C>T variant is predicted to result in the amino acid substitution p.Ser366Leu. To our knowledge, this variant has not been reported in the literature. This variant is reported in 0.13% of alleles in individuals of East Asian descent in gnomAD. At this time, the clinical significance of this variant is uncertain due to the absence of conclusive functional and genetic evidence.

Labcorp Genetics (formerly Invitae), Labcorp
Classification: Uncertain significance for Tyrosinemia type I. Last evaluated: 2022-07-03. Review status: criteria provided, single submitter. Criteria: Invitae Variant Classification Sherloc (09022015). Collection method: clinical testing. Allele origin: germline.
Comment: This sequence change replaces serine, which is neutral and polar, with leucine, which is neutral and non-polar, at codon 366 of the FAH protein (p.Ser366Leu). This variant is present in population databases (rs372685249, gnomAD 0.1%). This variant has not been reported in the literature in individuals affected with FAH-related conditions. ClinVar contains an entry for this variant (Variation ID: 990305). Algorithms developed to predict the effect of missense changes on protein structure and function are either unavailable or do not agree on the potential impact of this missense change (SIFT: "Deleterious"; PolyPhen-2: "Probably Damaging"; Align-GVGD: "Class C15"). In summary, the available evidence is currently insufficient to determine the role of this variant in disease. Therefore, it has been classified as a Variant of Uncertain Significance.

Natera, Inc.
Classification: Uncertain significance for Tyrosinemia type I. Last evaluated: 2020-04-24. Review status: no assertion criteria provided. Collection method: clinical testing. Allele origin: germline. Not counted in ClinVar's aggregate classification.